The following is an entry in ClinVar:

NM_003242.6(TGFBR2):c.128G>T (p.Gly43Val)

Gene: TGFBR2 (transforming growth factor beta receptor 2; plus strand). Cytogenetic location: 3p24.1.
Variant type: single nucleotide variant.
Coding change: c.128G>T on transcript NM_003242.6 (MANE Select); coding-DNA position 128, G replaced by T.
Protein change: p.Gly43Val; replaces glycine 43 with valine.
Molecular consequence: missense variant. On other transcripts: intron variant (2).
Genome position (GRCh38, 1-based): chr3:30,644,780, G>T. VCF-style: chr3-30644780-G-T. GRCh37 (hg19) VCF-style: chr3-30686272-G-T.
Other names: c.203G>T, p.Gly68Val (NM_001024847.3, NM_001407126.1, NM_001407139.1); c.128G>T, p.Gly43Val (NM_001407127.1, NM_001407130.1); c.155G>T, p.Gly52Val (NM_001407128.1); c.23G>T, p.Gly8Val (NM_001407129.1, NM_001407132.1, NM_001407133.1 and 3 more transcripts); c.169+21507G>T (NM_001407137.1); c.95-26858G>T (NM_001407138.1); short protein forms G43V, G68V, G52V, G8V.
Identifiers: ClinVar variation 3968094 (VCV003968094.1).

ClinVar aggregate classification (germline): Uncertain significance (1 of 4 stars; one submission).

Conditions:
Familial thoracic aortic aneurysm and aortic dissection (TAAD). Also called: Thoracic aortic aneurysms and dissections. Identifiers: Orphanet 91387, MedGen C4707243, MONDO:0019625.

Submission:

Ambry Genetics
Classification: Uncertain significance for Familial thoracic aortic aneurysm and aortic dissection. Last evaluated: 2025-04-13. Review status: criteria provided, single submitter. Criteria: Ambry Variant Classification Scheme 2023. Collection method: clinical testing. Allele origin: germline.
Comment: The p.G43V variant (also known as c.128G>T), located in coding exon 2 of the TGFBR2 gene, results from a G to T substitution at nucleotide position 128. The glycine at codon 43 is replaced by valine, an amino acid with dissimilar properties. This amino acid position is conserved. In addition, the in silico prediction for this alteration is inconclusive. Based on the available evidence, the clinical significance of this variant remains unclear.